The following is an entry in ClinVar:

ClinVar aggregate classification (germline): Uncertain significance (1 of 4 stars; one submission).

Conditions:
FASN-related disorder. Also called: FASN-related condition.

Allele frequency attached by ClinVar (database versions not stated): gnomAD exomes below 0.00001.
gnomAD v4.1: 1 of 1,606,950 alleles (0.000062%); highest among the groups gnomAD compares: South Asian, 0.0011%; no homozygotes.

Submission:

PreventionGenetics, part of Exact Sciences
Classification: Uncertain significance for FASN-related condition. Last evaluated: 2023-01-10. Review status: criteria provided, single submitter. Criteria: ACMG Guidelines, 2015. Collection method: clinical testing. Allele origin: germline.
Comment: The FASN c.3647G>T variant is predicted to result in the amino acid substitution p.Ser1216Ile. To our knowledge, this variant has not been reported in the literature or in a large population database, indicating this variant is rare. At this time, the clinical significance of this variant is uncertain due to the absence of conclusive functional and genetic evidence.

NM_004104.5(FASN):c.3647G>T (p.Ser1216Ile)

Gene: FASN (fatty acid synthase; minus strand). Cytogenetic location: 17q25.3.
Variant type: single nucleotide variant.
Coding change: c.3647G>T on transcript NM_004104.5 (MANE Select); coding-DNA position 3647, G replaced by T.
Protein change: p.Ser1216Ile; replaces serine 1216 with isoleucine.
Molecular consequence: missense variant.
Genome position (GRCh38, 1-based): chr17:82,086,339, C>A on the plus strand (G>T on the coding strand, the complement: FASN is on the minus strand). VCF-style: chr17-82086339-C-A. GRCh37 (hg19) VCF-style: chr17-80044215-C-A.
Other names: short protein forms S1216I.
Identifiers: ClinVar variation 2629625 (VCV002629625.1), dbSNP rs2509835836, ClinGen allele CA401551555.